The following is an entry in ClinVar:

ClinVar aggregate classification (germline): Pathogenic (1 of 4 stars; one submission).

Conditions:
Alstrom syndrome (ALMS). Identifiers: Orphanet 64, MedGen C0268425, MONDO:0008763, OMIM 203800.

Submission:

Labcorp Genetics (formerly Invitae), Labcorp
Classification: Pathogenic for Alstrom syndrome. Last evaluated: 2023-01-16. Review status: criteria provided, single submitter. Criteria: Invitae Variant Classification Sherloc (09022015). Collection method: clinical testing. Allele origin: germline.
Comment: This variant has not been reported in the literature in individuals affected with ALMS1-related conditions. For these reasons, this variant has been classified as Pathogenic. This variant is not present in population databases (gnomAD no frequency). This sequence change creates a premature translational stop signal (p.Asn3453Lysfs*2) in the ALMS1 gene. It is expected to result in an absent or disrupted protein product. Loss-of-function variants in ALMS1 are known to be pathogenic (PMID: 17594715).

Literature cited by the submitters: PubMed 17594715.

NM_001378454.1(ALMS1):c.10355dup (p.Asn3452fs)

Gene: ALMS1 (ALMS1 centrosome and basal body associated protein; plus strand). Cytogenetic location: 2p13.1.
Variant type: Duplication.
Coding change: c.10355dup on transcript NM_001378454.1 (MANE Select); coding-DNA position 10355, one base duplicated (A; older notation c.10355dupA).
Protein change: p.Asn3452fs; shifts the reading frame from asparagine 3452.
Molecular consequence: frameshift variant.
Genome position (GRCh38, 1-based): chr2:73,559,113, A duplicated; the last of 2 consecutive A bases (chr2:73,559,112-73,559,113); duplicating either gives the same sequence. VCF-style (leftmost placement, unchanged base first): chr2-73559111-C-CA. GRCh37 (hg19) VCF-style: chr2-73786238-C-CA.
Other names: c.10358dup, p.Asn3453fs (NM_015120.4); short protein forms N3453fs, N3452fs.
Identifiers: ClinVar variation 3008173 (VCV003008173.3), dbSNP rs2466408692, ClinGen allele CA2740095644.